The following is an entry in ClinVar:

NM_007294.4(BRCA1):c.5582G>A (p.Ser1861Asn)

Gene: BRCA1 (BRCA1 DNA repair associated; minus strand). Cytogenetic location: 17q21.31.
Variant type: single nucleotide variant.
Coding change: c.5582G>A on transcript NM_007294.4 (MANE Select); coding-DNA position 5582, G replaced by A.
Protein change: p.Ser1861Asn; replaces serine 1861 with asparagine.
Molecular consequence: missense variant. On other transcripts: 3 prime UTR variant (1), non-coding transcript variant (1).
Genome position (GRCh38, 1-based): chr17:43,045,688, C>T on the plus strand (G>A on the coding strand, the complement: BRCA1 is on the minus strand). VCF-style: chr17-43045688-C-T. GRCh37 (hg19) VCF-style: chr17-41197705-C-T.
Other names: c.5369G>A, p.Ser1790Asn (NM_001407571.1, NM_001407894.1, NM_001407895.1 and 12 more transcripts); c.5648G>A, p.Ser1883Asn (NM_001407581.1, NM_001407582.1); c.5645G>A, p.Ser1882Asn (NM_001407583.1, NM_001407585.1, NM_001407587.1 and 1 more transcripts); c.5642G>A, p.Ser1881Asn (NM_001407590.1, NM_001407591.1); c.5582G>A, p.Ser1861Asn (NM_001407593.1, NM_001407594.1, NM_001407596.1 and 5 more transcripts); c.5579G>A, p.Ser1860Asn (NM_001407610.1, NM_001407611.1, NM_001407612.1 and 14 more transcripts); c.5576G>A, p.Ser1859Asn (NM_001407627.1, NM_001407628.1, NM_001407629.1 and 13 more transcripts); c.5573G>A, p.Ser1858Asn (NM_001407644.1, NM_001407645.1); and 74 more; short protein forms S1814N, S757N, S1861N, S1882N, S1565N, S1748N, S1773N, S1793N.
Identifiers: ClinVar variation 1381587 (VCV001381587.9), dbSNP rs2152483837, ClinGen allele CA10590162.

ClinVar aggregate classification (germline): Uncertain significance. Review status: criteria provided, multiple submitters, no conflicts (2 of 4 stars). 3 submissions from 3 submitters: Uncertain significance (3). Last evaluated 2025-11-14.

Conditions:
Breast-ovarian cancer, familial, susceptibility to, 1 (BROVCA1). Also called: OVARIAN CANCER, SUSCEPTIBILITY TO; BRCA1 Hereditary Breast and Ovarian Cancer. Identifiers: Orphanet 145, MedGen C2676676, MONDO:0011450, OMIM 604370. Disease mechanism: loss of function.
Hereditary breast ovarian cancer syndrome. Also called: Hereditary breast and ovarian cancer; Hereditary breast and/or ovarian cancer syndrome; Breast and ovarian cancer; BRCA1- and BRCA2-Associated Hereditary Breast and Ovarian Cancer; Hereditary breast and ovarian cancer syndrome (HBOC); Hereditary breast and ovarian cancer syndrome. Identifiers: Orphanet 145, MedGen C0677776, MeSH D061325, MONDO:0003582. Disease mechanism: loss of function.
Hereditary cancer-predisposing syndrome. Also called: Tumor predisposition; Hereditary Cancer Syndrome; Hereditary neoplastic syndrome; Neoplastic Syndromes, Hereditary. Identifiers: Orphanet 140162, MedGen C0027672, MeSH D009386, MONDO:0015356.

gnomAD v4.1: 1 of 1,613,690 alleles (0.000062%); highest among the groups gnomAD compares: Admixed American, 0.0017%; no homozygotes.

Submissions (3):

Ambry Genetics
Classification: Uncertain significance for Hereditary cancer-predisposing syndrome. Last evaluated: 2025-11-14. Review status: criteria provided, single submitter. Criteria: Ambry Variant Classification Scheme 2023. Collection method: clinical testing. Allele origin: germline.
Comment: The p.S1861N variant (also known as c.5582G>A), located in coding exon 22 of the BRCA1 gene, results from a G to A substitution at nucleotide position 5582. The serine at codon 1861 is replaced by asparagine, an amino acid with highly similar properties. This amino acid position is not well conserved in available vertebrate species. In addition, the in silico prediction for this alteration is inconclusive. Based on the available evidence, the clinical significance of this variant remains unclear.

All of Us Research Program, National Institutes of Health
Classification: Uncertain significance for Breast-ovarian cancer, familial, susceptibility to, 1. Last evaluated: 2024-01-03. Review status: criteria provided, single submitter. Criteria: ACMG Guidelines, 2015. Collection method: clinical testing. Allele origin: germline. Inheritance: Autosomal dominant inheritance. Observed: 1 variant allele, 1 heterozygote.
Comment: This missense variant replaces serine with asparagine at codon 1861 of the BRCA1 protein. Computational prediction suggests that this variant may not impact protein structure and function (internally defined REVEL score threshold <= 0.5, PMID: 27666373). To our knowledge, functional studies have not been reported for this variant. This variant has not been reported in individuals affected with hereditary cancer in the literature. This variant has not been identified in the general population by the Genome Aggregation Database (gnomAD). The available evidence is insufficient to determine the role of this variant in disease conclusively. Therefore, this variant is classified as a Variant of Uncertain Significance.

This study involves interpretation of variants in research participants for the purpose of population health screening. Participant phenotype was not available at the time of variant classification. Additional details can be found in publication PMID: 35346344, PMCID: PMC8962531

Labcorp Genetics (formerly Invitae), Labcorp
Classification: Uncertain significance for Hereditary breast ovarian cancer syndrome. Last evaluated: 2021-09-16. Review status: criteria provided, single submitter. Criteria: Invitae Variant Classification Sherloc (09022015). Collection method: clinical testing. Allele origin: germline.
Comment: In summary, the available evidence is currently insufficient to determine the role of this variant in disease. Therefore, it has been classified as a Variant of Uncertain Significance. Advanced modeling of protein sequence and biophysical properties (such as structural, functional, and spatial information, amino acid conservation, physicochemical variation, residue mobility, and thermodynamic stability) performed at Invitae indicates that this missense variant is not expected to disrupt BRCA1 protein function. This variant has not been reported in the literature in individuals affected with BRCA1-related conditions. This variant is not present in population databases (ExAC no frequency). This sequence change replaces serine with asparagine at codon 1861 of the BRCA1 protein (p.Ser1861Asn). The serine residue is weakly conserved and there is a small physicochemical difference between serine and asparagine.